The following is an entry in ClinVar:

NM_005188.4(CBL):c.445C>T (p.Arg149Ter)

Gene: CBL (Cbl proto-oncogene; plus strand). Cytogenetic location: 11q23.3.
Variant type: single nucleotide variant.
Coding change: c.445C>T on transcript NM_005188.4 (MANE Select); coding-DNA position 445, C replaced by T.
Protein change: p.Arg149Ter; replaces arginine 149 with a stop codon.
Molecular consequence: nonsense.
Genome position (GRCh38, 1-based): chr11:119,271,736, C>T. VCF-style: chr11-119271736-C-T. GRCh37 (hg19) VCF-style: chr11-119142446-C-T.
Other names: c.445C>T (NM_005188.3); short protein forms R149*.
Identifiers: ClinVar variation 78201 (VCV000078201.7), dbSNP rs267602720, ClinGen allele CA6318277.
Genomic context (GRCh38, chr11:119,271,736, plus strand): 5'-GTGCATTTAAAATAAAAATAATTTTATGTGTTTAATTATTGCATTCTGATCATTTGTAGG[C>T]GAAACCTAACCAAACTGTCCCTCATCTTCAGCCACATGCTGGCAGAACTAAAAGGAATCT-3'

ClinVar aggregate classification (germline): Uncertain significance. Review status: criteria provided, multiple submitters, no conflicts (2 of 4 stars). 3 submissions from 3 submitters: Uncertain significance (3). Last evaluated 2024-11-21.

Conditions:
RASopathy. Also called: Noonan spectrum disorder; rasopathies. Identifiers: Orphanet 536391, MedGen C5555857, MONDO:0021060.

Allele frequency attached by ClinVar (database versions not stated): gnomAD exomes below 0.00001; ExAC 0.00001.
gnomAD v4.1: 2 of 1,613,556 alleles (0.00012%); highest among the groups gnomAD compares: South Asian, 0.0011%; no homozygotes.

Submissions (3):

Labcorp Genetics (formerly Invitae), Labcorp
Classification: Uncertain significance for RASopathy. Last evaluated: 2024-11-21. Review status: criteria provided, single submitter. Criteria: Invitae Variant Classification Sherloc (09022015). Collection method: clinical testing. Allele origin: germline.
Comment: This sequence change creates a premature translational stop signal (p.Arg149*) in the CBL gene. It is expected to result in an absent or disrupted protein product. However, the current clinical and genetic evidence is not sufficient to establish whether loss-of-function variants in CBL cause disease. This variant is not present in population databases (gnomAD no frequency). This premature translational stop signal has been observed in individual(s) with clinical features of CBL-related conditions (PMID: 33084842). ClinVar contains an entry for this variant (Variation ID: 78201). In summary, the available evidence is currently insufficient to determine the role of this variant in disease. Therefore, it has been classified as a Variant of Uncertain Significance.

Women's Health and Genetics/Laboratory Corporation of America, LabCorp
Classification: Uncertain significance. Last evaluated: 2023-06-19. Review status: criteria provided, single submitter. Criteria: LabCorp Variant Classification Summary - May 2015. Collection method: clinical testing. Allele origin: germline.
Comment: Variant summary: CBL c.445C>T (p.Arg149X) results in a premature termination codon, predicted to cause a truncation of the encoded protein or absence of the protein due to nonsense mediated decay, however the molecular mechanism of disease attributed to CBL is gain-of-function. The variant allele was found at a frequency of 4e-06 in 251442 control chromosomes (gnomAD). The available data on variant occurrences in the general population are insufficient to allow any conclusion about variant significance. c.445C>T has been reported in the literature in one individual affected with congenital heart disease (Motton_2021). The report does not provide unequivocal conclusions about association of the variant with Noonan Syndrome And Related Conditions. To our knowledge, no experimental evidence demonstrating an impact on protein function has been reported. The following publication have been ascertained in the context of this evaluation (PMID: 33084842). One clinical diagnostic laboratory has submitted clinical-significance assessments for this variant to ClinVar after 2014 without evidence for independent evaluation and classified the variant as uncertain significance. Based on the evidence outlined above, the variant was classified as uncertain significance.

GeneDx
Classification: Uncertain significance. Last evaluated: 2019-07-11. Review status: criteria provided, single submitter. Criteria: GeneDx Variant Classification Process June 2021. Collection method: clinical testing. Allele origin: germline. Affected: yes.
Comment: Not observed at a significant frequency in large population cohorts (Lek et al., 2016); Nonsense variant predicted to result in protein truncation or nonsense mediated decay in a gene for which loss-of-function is not a known mechanism of disease; Has not been previously published as pathogenic or benign to our knowledge

Literature cited by the submitters: PubMed 33084842 (cited by Labcorp Genetics (formerly Invitae), Labcorp and Women's Health and Genetics/Laboratory Corporation of America, LabCorp).